The following is an entry in ClinVar:

ClinVar aggregate classification (germline): Uncertain significance. Review status: criteria provided, multiple submitters, no conflicts (2 of 4 stars). 2 submissions from 2 submitters: Uncertain significance (2). Last evaluated 2024-08-22.

Conditions:
Hereditary cancer-predisposing syndrome. Also called: Neoplastic Syndromes, Hereditary; Tumor predisposition; Hereditary Cancer Syndrome; Hereditary neoplastic syndrome. Identifiers: Orphanet 140162, MedGen C0027672, MeSH D009386, MONDO:0015356.
Gastrointestinal stromal tumor. Also called: Gastrointestinal stromal tumor, somatic; Gastrointestinal stroma tumor. Identifiers: Orphanet 44890, MedGen C0238198, MeSH D046152, MONDO:0011719, OMIM 606764, HP:0100723.

Allele frequency attached by ClinVar (database versions not stated): ExAC 0.00001; gnomAD exomes 0.00001.
gnomAD v4.1: 8 of 1,614,028 alleles (0.0005%); highest among the groups gnomAD compares: Non-Finnish European, 0.00068%; no homozygotes.

Submissions (2):

Ambry Genetics
Classification: Uncertain significance for Hereditary cancer-predisposing syndrome. Last evaluated: 2024-08-22. Review status: criteria provided, single submitter. Criteria: Ambry Variant Classification Scheme 2023. Collection method: clinical testing. Allele origin: germline.
Comment: The p.G486S variant (also known as c.1456G>A), located in coding exon 9 of the PDGFRA gene, results from a G to A substitution at nucleotide position 1456. The glycine at codon 486 is replaced by serine, an amino acid with similar properties. This amino acid position is conserved. In addition, this alteration is predicted to be tolerated by in silico analysis. Since supporting evidence is limited at this time, the clinical significance of this alteration remains unclear.

Labcorp Genetics (formerly Invitae), Labcorp
Classification: Uncertain significance for Gastrointestinal stromal tumor. Last evaluated: 2024-05-19. Review status: criteria provided, single submitter. Criteria: Invitae Variant Classification Sherloc (09022015). Collection method: clinical testing. Allele origin: germline.
Comment: This sequence change replaces glycine, which is neutral and non-polar, with serine, which is neutral and polar, at codon 486 of the PDGFRA protein (p.Gly486Ser). This variant is present in population databases (rs775656600, gnomAD 0.0009%). This variant has not been reported in the literature in individuals affected with PDGFRA-related conditions. ClinVar contains an entry for this variant (Variation ID: 1773064). Advanced modeling of protein sequence and biophysical properties (such as structural, functional, and spatial information, amino acid conservation, physicochemical variation, residue mobility, and thermodynamic stability) performed at Invitae indicates that this missense variant is not expected to disrupt PDGFRA protein function with a negative predictive value of 80%. In summary, the available evidence is currently insufficient to determine the role of this variant in disease. Therefore, it has been classified as a Variant of Uncertain Significance.

NM_006206.6(PDGFRA):c.1456G>A (p.Gly486Ser)

Gene: PDGFRA (platelet derived growth factor receptor alpha; plus strand). Cytogenetic location: 4q12.
Variant type: single nucleotide variant.
Coding change: c.1456G>A on transcript NM_006206.6 (MANE Select); coding-DNA position 1456, G replaced by A.
Protein change: p.Gly486Ser; replaces glycine 486 with serine.
Molecular consequence: missense variant.
Genome position (GRCh38, 1-based): chr4:54,273,628, G>A. VCF-style: chr4-54273628-G-A. GRCh37 (hg19) VCF-style: chr4-55139795-G-A.
Other names: c.1456G>A, p.Gly486Ser (NM_001347827.2, NM_001347829.2); c.1531G>A, p.Gly511Ser (NM_001347828.2); c.1495G>A, p.Gly499Ser (NM_001347830.2); short protein forms G486S, G499S, G511S.
Identifiers: ClinVar variation 1773064 (VCV001773064.4), dbSNP rs775656600, ClinGen allele CA2922573.